The following is an entry in ClinVar:

ClinVar aggregate classification (germline): Conflicting classifications of pathogenicity. Review status: criteria provided, conflicting classifications (1 of 4 stars). 3 submissions from 3 submitters: Uncertain significance (2); Likely benign (1). Last evaluated 2025-04-14.

Conditions:
Familial cancer of breast. Also called: BREAST CANCER, FAMILIAL; Hereditary breast cancer; hereditary breast carcinoma. Identifiers: Orphanet 227535, MedGen C0346153, MONDO:0016419, OMIM 114480. Disease mechanism: loss of function.
Hereditary cancer-predisposing syndrome. Also called: Neoplastic Syndromes, Hereditary; Hereditary Cancer Syndrome; Hereditary neoplastic syndrome; Tumor predisposition. Identifiers: Orphanet 140162, MedGen C0027672, MeSH D009386, MONDO:0015356.

Submissions (3):

Ambry Genetics
Classification: Likely benign for Hereditary cancer-predisposing syndrome. Last evaluated: 2025-04-14. Review status: criteria provided, single submitter. Criteria: Ambry Variant Classification Scheme 2023. Collection method: clinical testing. Allele origin: germline.

Labcorp Genetics (formerly Invitae), Labcorp
Classification: Uncertain significance for Familial cancer of breast. Last evaluated: 2024-08-28. Review status: criteria provided, single submitter. Criteria: Invitae Variant Classification Sherloc (09022015). Collection method: clinical testing. Allele origin: germline.
Comment: This sequence change replaces phenylalanine, which is neutral and non-polar, with leucine, which is neutral and non-polar, at codon 818 of the PALB2 protein (p.Phe818Leu). This variant is not present in population databases (gnomAD no frequency). This variant has not been reported in the literature in individuals affected with PALB2-related conditions. ClinVar contains an entry for this variant (Variation ID: 460943). Invitae Evidence Modeling of protein sequence and biophysical properties (such as structural, functional, and spatial information, amino acid conservation, physicochemical variation, residue mobility, and thermodynamic stability) indicates that this missense variant is not expected to disrupt PALB2 protein function with a negative predictive value of 80%. In summary, the available evidence is currently insufficient to determine the role of this variant in disease. Therefore, it has been classified as a Variant of Uncertain Significance.

Color Diagnostics, LLC DBA Color Health
Classification: Uncertain significance for Hereditary cancer-predisposing syndrome. Last evaluated: 2024-03-06. Review status: criteria provided, single submitter. Criteria: ACMG Guidelines, 2015. Collection method: clinical testing. Allele origin: germline.
Comment: This missense variant replaces phenylalanine with leucine at codon 818 of the PALB2 protein. Computational prediction suggests that this variant may not impact protein structure and function (internally defined REVEL score threshold <= 0.5, PMID: 27666373). To our knowledge, functional studies have not been reported for this variant. This variant has not been reported in individuals affected with hereditary cancer in the literature. This variant has not been identified in the general population by the Genome Aggregation Database (gnomAD). The available evidence is insufficient to determine the role of this variant in disease conclusively. Therefore, this variant is classified as a Variant of Uncertain Significance.

NM_024675.4(PALB2):c.2452T>C (p.Phe818Leu)

Gene: PALB2 (partner and localizer of BRCA2; minus strand). Cytogenetic location: 16p12.2.
Variant type: single nucleotide variant.
Coding change: c.2452T>C on transcript NM_024675.4 (MANE Select); coding-DNA position 2452, T replaced by C.
Protein change: p.Phe818Leu; replaces phenylalanine 818 with leucine.
Molecular consequence: missense variant.
Genome position (GRCh38, 1-based): chr16:23,629,702, A>G on the plus strand (T>C on the coding strand, the complement: PALB2 is on the minus strand). VCF-style: chr16-23629702-A-G. GRCh37 (hg19) VCF-style: chr16-23641023-A-G.
Other names: short protein forms F818L.
Identifiers: ClinVar variation 460943 (VCV000460943.17), dbSNP rs1555460328, ClinGen allele CA395124159.